The following is an entry in ClinVar:

ClinVar aggregate classification (germline): Uncertain significance. Review status: criteria provided, multiple submitters, no conflicts (2 of 4 stars). 5 submissions from 5 submitters: Uncertain significance (5). Last evaluated 2026-06-18.

Conditions:
KCNQ3-related disorder. Also called: KCNQ3-Related Disorders; KCNQ3-related condition. Identifiers: MedGen CN381530.
Benign neonatal seizures. Also called: Benign neonatal familial convulsions; Benign familial neonatal seizures; Convulsions benign familial neonatal dominant form; Autosomal dominant form of benign neonatal seizures; Benign familial neonatal epilepsy. Identifiers: Orphanet 1949, MedGen C0220669, MONDO:0016027.
Seizures, benign familial neonatal, 2. Also called: Seizures, benign neonatal, 2; KCNQ3-Related Self-Limited Familial Neonatal Epilepsy (SLFNE); Benign Neonatal Epilepsy 2; CONVULSIONS, BENIGN FAMILIAL NEONATAL, 2; KCNQ3-Related Benign Familial Neonatal Epilepsy. Identifiers: Orphanet 1949, MedGen C1852581, MONDO:0007366, OMIM 121201.

gnomAD v4.1: 4 of 1,613,958 alleles (0.00025%); highest among the groups gnomAD compares: African/African-American, 0.004%; no homozygotes.

Submissions (5):

PreventionGenetics, part of Exact Sciences
Classification: Uncertain significance for KCNQ3-related condition. Last evaluated: 2026-06-18. Review status: criteria provided, single submitter. Criteria: ACMG Guidelines, 2015. Collection method: clinical testing. Allele origin: germline.
Comment: The KCNQ3 c.1199G>A variant is predicted to result in the amino acid substitution p.Arg400Lys. To our knowledge, this variant has not been reported in the literature or in a large population database (gnomAD), indicating this variant is rare. At this time, the clinical significance of this variant is uncertain due to the absence of conclusive functional and genetic evidence.

Genomic Medicine Center of Excellence, King Faisal Specialist Hospital and Research Centre
Classification: Uncertain significance for Seizures, benign familial neonatal, 2. Last evaluated: 2024-12-17. Review status: criteria provided, single submitter. Criteria: ACMG Guidelines, 2015. Collection method: clinical testing. Allele origin: germline.

Labcorp Genetics (formerly Invitae), Labcorp
Classification: Uncertain significance for Benign neonatal seizures. Last evaluated: 2024-10-23. Review status: criteria provided, single submitter. Criteria: Invitae Variant Classification Sherloc (09022015). Collection method: clinical testing. Allele origin: germline.
Comment: This sequence change replaces arginine, which is basic and polar, with lysine, which is basic and polar, at codon 400 of the KCNQ3 protein (p.Arg400Lys). This variant is not present in population databases (gnomAD no frequency). This variant has not been reported in the literature in individuals affected with KCNQ3-related conditions. ClinVar contains an entry for this variant (Variation ID: 471214). Invitae Evidence Modeling of protein sequence and biophysical properties (such as structural, functional, and spatial information, amino acid conservation, physicochemical variation, residue mobility, and thermodynamic stability) indicates that this missense variant is not expected to disrupt KCNQ3 protein function with a negative predictive value of 80%. In summary, the available evidence is currently insufficient to determine the role of this variant in disease. Therefore, it has been classified as a Variant of Uncertain Significance.

Blueprint Genetics
Classification: Uncertain significance. Last evaluated: 2024-01-23. Review status: criteria provided, single submitter. Criteria: ACMG Guidelines, 2015. Collection method: clinical testing. Allele origin: germline.

Baylor Genetics
Classification: Uncertain significance for Seizures, benign familial neonatal, 2. Last evaluated: 2019-11-07. Review status: criteria provided, single submitter. Criteria: ACMG Guidelines, 2015. Collection method: clinical testing. Allele origin: unknown. Affected: yes.
Comment: This variant was determined to be of uncertain significance according to ACMG Guidelines, 2015 [PMID:25741868].

NM_004519.4(KCNQ3):c.1199G>A (p.Arg400Lys)

Gene: KCNQ3 (potassium voltage-gated channel subfamily Q member 3; minus strand). Cytogenetic location: 8q24.22.
Variant type: single nucleotide variant.
Coding change: c.1199G>A on transcript NM_004519.4 (MANE Select); coding-DNA position 1199, G replaced by A.
Protein change: p.Arg400Lys; replaces arginine 400 with lysine.
Molecular consequence: missense variant.
Genome position (GRCh38, 1-based): chr8:132,170,370, C>T on the plus strand (G>A on the coding strand, the complement: KCNQ3 is on the minus strand). VCF-style: chr8-132170370-C-T. GRCh37 (hg19) VCF-style: chr8-133182617-C-T.
Other names: c.839G>A, p.Arg280Lys (NM_001204824.2); short protein forms R400K, R280K.
Identifiers: ClinVar variation 471214 (VCV000471214.14), dbSNP rs943073757, ClinGen allele CA372289667.